The following is an entry in ClinVar:

ClinVar aggregate classification (germline): Conflicting classifications of pathogenicity. Review status: criteria provided, conflicting classifications (1 of 4 stars). 3 submissions from 3 submitters: Uncertain significance (1); Likely benign (2). Last evaluated 2025-12-08.

Conditions:
RYR1-related disorder. Also called: RYR1-related disorders; RYR1-related condition. Identifiers: MedGen CN239331.
Malignant hyperthermia, susceptibility to, 1 (MHS1). Also called: RYR1-Related Malignant Hyperthermia Susceptibility; Malignant hyperthermia suceptibility 1; Anesthesia related hyperthermia; Malignant hyperpyrexia; Fulminating hyperpyrexia; Pharmacogenic myopathy. Identifiers: Orphanet 423, MedGen C2930980, MONDO:0007783, OMIM 145600.

Allele frequency attached by ClinVar (database versions not stated): gnomAD 0.00001; TOPMed 0.00001.
gnomAD v4.1: 38 of 1,614,042 alleles (0.0024%); highest among the groups gnomAD compares: Non-Finnish European, 0.0031%; no homozygotes.

Submissions (3):

Labcorp Genetics (formerly Invitae), Labcorp
Classification: Likely benign for RYR1-related disorder. Last evaluated: 2025-12-08. Review status: criteria provided, single submitter. Criteria: Invitae Variant Classification Sherloc (09022015). Collection method: clinical testing. Allele origin: germline.

Color Diagnostics, LLC DBA Color Health
Classification: Likely benign for Malignant hyperthermia, susceptibility to, 1. Last evaluated: 2025-07-01. Review status: criteria provided, single submitter. Criteria: ACMG Guidelines, 2015. Collection method: clinical testing. Allele origin: germline.

All of Us Research Program, National Institutes of Health
Classification: Uncertain significance for Malignant hyperthermia, susceptibility to, 1. Last evaluated: 2023-12-01. Review status: criteria provided, single submitter. Criteria: ACMG Guidelines, 2015. Collection method: clinical testing. Allele origin: germline. Inheritance: Autosomal dominant inheritance. Observed: 2 variant alleles, 2 heterozygotes.
Comment: This study involves interpretation of variants in research participants for the purpose of population health screening. Participant phenotype was not available at the time of variant classification. Additional details can be found in publication PMID: 35346344, PMCID: PMC8962531

NM_000540.3(RYR1):c.12095-4G>A

Gene: RYR1 (ryanodine receptor 1; plus strand). Cytogenetic location: 19q13.2.
Variant type: single nucleotide variant.
Coding change: c.12095-4G>A on transcript NM_000540.3 (MANE Select); 4 bases into the intron before coding-DNA position 12095, G replaced by A.
Molecular consequence: intron variant.
Genome position (GRCh38, 1-based): chr19:38,548,229, G>A. VCF-style: chr19-38548229-G-A. GRCh37 (hg19) VCF-style: chr19-39038869-G-A.
Other names: c.12080-4G>A (NM_001042723.2).
Identifiers: ClinVar variation 754363 (VCV000754363.11), dbSNP rs769377982, ClinGen allele CA882062491.
Genomic context (GRCh38, chr19:38,548,229, plus strand): 5'-GCAAGCCTGGTGGGGCCCCAGAAGGGAGTGTTCACCGGCCACACTGACCTGGGGCTGCCT[G>A]CAGGGAACGTGGTGAACGGCATGATCGCCCGGCAGATGGTGGACATGCTCGTGGAATCCT-3'